The following continues an entry in ClinVar:

NM_007294.4(BRCA1):c.140G>A (p.Cys47Tyr)

Gene: BRCA1. ClinVar aggregate classification (germline): Pathogenic. Pathogenic (1).

Submissions 10 to 11 of 11:

Department of Pathology and Laboratory Medicine, Sinai Health System
Classification: Likely pathogenic for Breast-ovarian cancer, familial, susceptibility to, 1. Review status: no assertion criteria provided. Collection method: clinical testing. Allele origin: unknown. Affected: yes. Study: The Canadian Open Genetics Repository (COGR). Not counted in ClinVar's aggregate classification.
Comment: The BRCA1 p.Cys47Tyr variant was identified in 5 of 6610 proband chromosomes (frequency: 0.0008) from individuals or families with breast and/or ovarian cancer (Gad 2002, Golmard 2017, Lai 2015, Stoppa-Lyonnet 1997, Thompson 2002); however, control chromosomes were not evaluated in these studies, thus the prevalence of this variant in the general population could not be determined. The variant was also identified in the following databases: dbSNP (ID: rs80357150) as â€šÃ„ÃºWith Pathogenic, other allele,â€šÃ„Ã¹ ClinVar (1x pathogenic, Consortium of Investigators of Modifiers of BRCA1/2 CIMBA), Clinvitae (1x pathogenic), and UMD-LSDB (31x, causal). The variant was not identified in Cosmic, MutDB, LOVD 3.0, BIC Database, ARUP Laboratories, or the Zhejiang Colon Cancer Database. The variant was not identified in the control databases: the 1000 Genomes Project, the NHLBI GO Exome Sequencing Project, the Exome Aggregation Consortium (August 8th 2016), or the Genome Aggregation Database (Feb 27, 2017). The p.Cys47 residue is located in the Zinc RING finger domain of the BRCA1 protein, a domain known to bind to BARD1 and BAP1 (Thompson 2002). This increases the likelihood that this is a pathogenic variant. The p.Cys47 residue is conserved across mammals and other organisms, and computational analyses (PolyPhen-2, SIFT, AlignGVGD, BLOSUM, MutationTaster) suggest that the variant may impact the protein; however, this information is not predictive enough to assume pathogenicity. The variant occurs outside of the splicing consensus sequence and in silico or computational prediction software programs (SpliceSiteFinder, MaxEntScan, NNSPLICE, GeneSplicer, HumanSpliceFinder) do not predict a difference in splicing. In summary, based on the above information the clinical significance of this variant cannot be determined with certainty at this time although we would lean towards a more pathogenic role for this variant. This variant is classified as likely pathogenic.

Joint Genome Diagnostic Labs from Nijmegen and Maastricht, Radboudumc and MUMC+
Classification: Pathogenic. Review status: no assertion criteria provided. Collection method: clinical testing. Allele origin: germline. Affected: yes. Study: VKGL Data-share Consensus. Not counted in ClinVar's aggregate classification.

Literature cited by the submitters: PubMed 31131967 (cited by Evidence-based Network for the Interpretation of Germline Mutant Alleles (ENIGMA) and Labcorp Genetics (formerly Invitae), Labcorp); PubMed 22843421 (cited by Labcorp Genetics (formerly Invitae), Labcorp); PubMed 25823446 (cited by Labcorp Genetics (formerly Invitae), Labcorp); PubMed 30209399 (cited by Labcorp Genetics (formerly Invitae), Labcorp); PubMed 9150149 (cited by Labcorp Genetics (formerly Invitae), Labcorp and Women's Health and Genetics/Laboratory Corporation of America, LabCorp); PubMed 11118466 (cited by Labcorp Genetics (formerly Invitae), Labcorp); PubMed 12360411 (cited by Labcorp Genetics (formerly Invitae), Labcorp and Women's Health and Genetics/Laboratory Corporation of America, LabCorp); PubMed 17826769 (cited by Labcorp Genetics (formerly Invitae), Labcorp and Women's Health and Genetics/Laboratory Corporation of America, LabCorp); PubMed 22762150 (cited by Labcorp Genetics (formerly Invitae), Labcorp and Women's Health and Genetics/Laboratory Corporation of America, LabCorp); PubMed 29446198 (cited by Labcorp Genetics (formerly Invitae), Labcorp and Women's Health and Genetics/Laboratory Corporation of America, LabCorp); PubMed 21702907 (cited by Women's Health and Genetics/Laboratory Corporation of America, LabCorp); PubMed 21120943 (cited by Women's Health and Genetics/Laboratory Corporation of America, LabCorp); PubMed 10644434 (cited by Women's Health and Genetics/Laboratory Corporation of America, LabCorp); PubMed 25348012 (cited by Women's Health and Genetics/Laboratory Corporation of America, LabCorp); PubMed 8602198 (cited by Women's Health and Genetics/Laboratory Corporation of America, LabCorp); PubMed 27331142 (cited by Women's Health and Genetics/Laboratory Corporation of America, LabCorp); PubMed 14614327 (cited by Women's Health and Genetics/Laboratory Corporation of America, LabCorp); PubMed 9746028 (cited by Women's Health and Genetics/Laboratory Corporation of America, LabCorp); PubMed 26052455 (cited by Women's Health and Genetics/Laboratory Corporation of America, LabCorp); PubMed 11927492 (cited by Women's Health and Genetics/Laboratory Corporation of America, LabCorp); PubMed 29255180 (cited by Women's Health and Genetics/Laboratory Corporation of America, LabCorp).